The following is an entry in ClinVar:

ClinVar aggregate classification (germline): Uncertain significance. Review status: criteria provided, multiple submitters, no conflicts (2 of 4 stars). 2 submissions from 2 submitters: Uncertain significance (2). Last evaluated 2025-01-27.

Allele frequency attached by ClinVar (database versions not stated): gnomAD exomes 0.00001; 1000 Genomes Project 0.00020; 1000 Genomes Project 30x 0.00031; TOPMed 0.00003; ExAC 0.00002.

Submissions (2):

Ambry Genetics
Classification: Uncertain significance. Last evaluated: 2025-01-27. Review status: criteria provided, single submitter. Criteria: Ambry Variant Classification Scheme 2023. Collection method: clinical testing. Allele origin: germline.

Labcorp Genetics (formerly Invitae), Labcorp
Classification: Uncertain significance. Last evaluated: 2024-08-21. Review status: criteria provided, single submitter. Criteria: Invitae Variant Classification Sherloc (09022015). Collection method: clinical testing. Allele origin: germline.
Comment: This sequence change replaces glycine, which is neutral and non-polar, with serine, which is neutral and polar, at codon 524 of the DSCAML1 protein (p.Gly524Ser). This variant is present in population databases (rs542744881, gnomAD 0.005%). This variant has not been reported in the literature in individuals affected with DSCAML1-related conditions. ClinVar contains an entry for this variant (Variation ID: 2070575). An algorithm developed to predict the effect of missense changes on protein structure and function (PolyPhen-2) suggests that this variant is likely to be disruptive. In summary, the available evidence is currently insufficient to determine the role of this variant in disease. Therefore, it has been classified as a Variant of Uncertain Significance.

NM_020693.4(DSCAML1):c.1390G>A (p.Gly464Ser)

Gene: DSCAML1 (DS cell adhesion molecule like 1; minus strand). Cytogenetic location: 11q23.3.
Variant type: single nucleotide variant.
Coding change: c.1390G>A on transcript NM_020693.4 (MANE Select); coding-DNA position 1390, G replaced by A.
Protein change: p.Gly464Ser; replaces glycine 464 with serine.
Molecular consequence: missense variant.
Genome position (GRCh38, 1-based): chr11:117,518,586, C>T on the plus strand (G>A on the coding strand, the complement: DSCAML1 is on the minus strand). VCF-style: chr11-117518586-C-T. GRCh37 (hg19) VCF-style: chr11-117389301-C-T.
Other names: c.1390G>A, p.Gly464Ser (NM_001367904.1); c.982G>A, p.Gly328Ser (NM_001367905.1); c.1570G>A (NM_020693.2); short protein forms G464S, G328S.
Identifiers: ClinVar variation 2070575 (VCV002070575.5), dbSNP rs542744881, ClinGen allele CA6297275.